The following is an entry in ClinVar:

ClinVar aggregate classification (germline): Likely benign. Review status: criteria provided, multiple submitters, no conflicts (2 of 4 stars). 3 submissions from 3 submitters: Likely benign (2). 1 of the submissions does not count toward it. Last evaluated 2024-02-16.

Conditions:
BBS12-related disorder. Also called: BBS12-related condition.
Bardet-Biedl syndrome (BBS). Identifiers: Orphanet 110, MedGen C0752166, MONDO:0015229.

Allele frequency attached by ClinVar (database versions not stated): TOPMed below 0.00001; gnomAD 0.00002 and 0.00005.
gnomAD v4.1: 50 of 1,613,714 alleles (0.0031%); highest among the groups gnomAD compares: South Asian, 0.037%; no homozygotes.

Submissions (3):

Labcorp Genetics (formerly Invitae), Labcorp
Classification: Likely benign for Bardet-Biedl syndrome. Last evaluated: 2024-02-16. Review status: criteria provided, single submitter. Criteria: Invitae Variant Classification Sherloc (09022015). Collection method: clinical testing. Allele origin: germline.

Blueprint Genetics
Classification: Likely benign. Last evaluated: 2023-11-16. Review status: criteria provided, single submitter. Criteria: ACMG Guidelines, 2015. Collection method: clinical testing. Allele origin: germline.

PreventionGenetics, part of Exact Sciences
Classification: Likely benign for BBS12-related condition. Last evaluated: 2022-04-13. Review status: no assertion criteria provided. Collection method: clinical testing. Allele origin: germline. Not counted in ClinVar's aggregate classification.
Comment: This variant is classified as likely benign based on ACMG/AMP sequence variant interpretation guidelines (Richards et al. 2015 PMID: 25741868, with internal and published modifications).

NM_152618.3(BBS12):c.75A>G (p.Thr25=)

Gene: BBS12 (Bardet-Biedl syndrome 12; plus strand). Cytogenetic location: 4q27.
Variant type: single nucleotide variant.
Coding change: c.75A>G on transcript NM_152618.3 (MANE Select); coding-DNA position 75, A replaced by G.
Protein change: p.Thr25=; no amino-acid change (threonine 25 retained).
Molecular consequence: synonymous variant.
Genome position (GRCh38, 1-based): chr4:122,741,967, A>G. VCF-style: chr4-122741967-A-G. GRCh37 (hg19) VCF-style: chr4-123663122-A-G.
Other names: c.75A>G, p.Thr25= (NM_001178007.2).
Identifiers: ClinVar variation 701566 (VCV000701566.12), dbSNP rs754811440, ClinGen allele CA3069237.
Genomic context (GRCh38, chr4:122,741,967, plus strand): 5'-CAGAGTCGTAAACAAAAGAAGACACATGGGACTTCAACAACTTTCATCATTCGCGGAAAC[A>G]GGAAGAACTTTCCTAGGCCCACTAAAATCATCCAAATTTATTATAGATGAAGAATGTCAT-3'
Protein context (NP_689831.2, residues 15-35): GLQQLSSFAE[Thr25=]GRTFLGPLKS